The following is an entry in ClinVar:

NM_025103.4(IFT74):c.1435A>T (p.Thr479Ser)

Gene: IFT74 (intraflagellar transport 74; plus strand). Cytogenetic location: 9p21.2.
Variant type: single nucleotide variant.
Coding change: c.1435A>T on transcript NM_025103.4 (MANE Select); coding-DNA position 1435, A replaced by T.
Protein change: p.Thr479Ser; replaces threonine 479 with serine.
Molecular consequence: missense variant.
Genome position (GRCh38, 1-based): chr9:27,055,710, A>T. VCF-style: chr9-27055710-A-T. GRCh37 (hg19) VCF-style: chr9-27055708-A-T.
Other names: c.1435A>T, p.Thr479Ser (NM_001099222.3, NM_001099223.3, NM_001349928.2); c.1435A>T (NM_001099222.1); short protein forms T479S.
Identifiers: ClinVar variation 1978865 (VCV001978865.2), dbSNP rs539904016, ClinGen allele CA5015668.

ClinVar aggregate classification (germline): Uncertain significance. Review status: criteria provided, multiple submitters, no conflicts (2 of 4 stars). 2 submissions from 2 submitters: Uncertain significance (2). Last evaluated 2024-06-04.

Conditions:
Inborn genetic diseases. Identifiers: MedGen C0950123, MeSH D030342.

Allele frequency attached by ClinVar (database versions not stated): TOPMed below 0.00001; ExAC 0.00001; gnomAD 0.00001.
gnomAD v4.1: 34 of 1,594,012 alleles (0.0021%); highest among the groups gnomAD compares: Middle Eastern, 0.017%; no homozygotes.

Submissions (2):

Ambry Genetics
Classification: Uncertain significance for Inborn genetic diseases. Last evaluated: 2024-06-04. Review status: criteria provided, single submitter. Criteria: Ambry Variant Classification Scheme 2023. Collection method: clinical testing. Allele origin: germline.

Labcorp Genetics (formerly Invitae), Labcorp
Classification: Uncertain significance. Last evaluated: 2022-02-04. Review status: criteria provided, single submitter. Criteria: Invitae Variant Classification Sherloc (09022015). Collection method: clinical testing. Allele origin: germline.
Comment: This sequence change replaces threonine, which is neutral and polar, with serine, which is neutral and polar, at codon 479 of the IFT74 protein (p.Thr479Ser). This variant is present in population databases (rs539904016, gnomAD 0.002%). This variant has not been reported in the literature in individuals affected with IFT74-related conditions. Algorithms developed to predict the effect of missense changes on protein structure and function (SIFT, PolyPhen-2, Align-GVGD) all suggest that this variant is likely to be tolerated. In summary, the available evidence is currently insufficient to determine the role of this variant in disease. Therefore, it has been classified as a Variant of Uncertain Significance.